The following is an entry in ClinVar:

ClinVar aggregate classification (germline): Benign (1 of 4 stars; one submission).

Allele frequency attached by ClinVar (database versions not stated): gnomAD 0.01925 and 0.02058; TOPMed 0.02098; 1000 Genomes Project 0.02256; 1000 Genomes Project 30x 0.02358.
gnomAD v4.1: 2,904 of 152,324 alleles (1.9%); highest among the groups gnomAD compares: African/African-American, 6.6%; 104 homozygotes.

Submission:

GeneDx
Classification: Benign. Last evaluated: 2018-06-18. Review status: criteria provided, single submitter. Criteria: GeneDx Variant Classification (06012015). Collection method: clinical testing. Allele origin: germline. Affected: yes.
Comment: This variant is considered likely benign or benign based on one or more of the following criteria: it is a conservative change, it occurs at a poorly conserved position in the protein, it is predicted to be benign by multiple in silico algorithms, and/or has population frequency not consistent with disease.

NM_001042492.3(NF1):c.8378-215T>A

Gene: NF1 (neurofibromin 1; plus strand). Cytogenetic location: 17q11.2.
Variant type: single nucleotide variant.
Coding change: c.8378-215T>A on transcript NM_001042492.3 (MANE Select); 215 bases into the intron before coding-DNA position 8378, T replaced by A.
Molecular consequence: intron variant.
Genome position (GRCh38, 1-based): chr17:31,373,798, T>A. VCF-style: chr17-31373798-T-A. GRCh37 (hg19) VCF-style: chr17-29700816-T-A.
Other names: c.8315-215T>A (NM_000267.4).
Identifiers: ClinVar variation 561491 (VCV000561491.1), dbSNP rs17879205, ClinGen allele CA289712473.
Genomic context (GRCh38, chr17:31,373,798, plus strand): 5'-TTAGCATTGTGTTACAACTACATAAAGTACACAATATGGTAACCTGCTGTACAGGTTTGT[T>A]GCCTGGGAGAAACAGGCTATACCATATAGCCTTGGTGTGTAGTAGGCTATGCTATCTAAG-3'